The following is an entry in ClinVar:

ClinVar aggregate classification (germline): Uncertain significance. Review status: criteria provided, multiple submitters, no conflicts (2 of 4 stars). 3 submissions from 3 submitters: Uncertain significance (3). Last evaluated 2024-06-11.

Conditions:
Cardiovascular phenotype. Identifiers: MedGen CN230736.
Hypertrophic cardiomyopathy 14. Identifiers: MedGen C2750467, MONDO:0013197, OMIM 613251.

Allele frequency attached by ClinVar (database versions not stated): gnomAD exomes 0.00001.
gnomAD v4.1: 4 of 1,614,180 alleles (0.00025%); highest among the groups gnomAD compares: Admixed American, 0.0033%; no homozygotes.

Submissions (3):

Labcorp Genetics (formerly Invitae), Labcorp
Classification: Uncertain significance for Hypertrophic cardiomyopathy 14. Last evaluated: 2024-06-11. Review status: criteria provided, single submitter. Criteria: Invitae Variant Classification Sherloc (09022015). Collection method: clinical testing. Allele origin: germline.
Comment: This sequence change replaces threonine, which is neutral and polar, with alanine, which is neutral and non-polar, at codon 1697 of the MYH6 protein (p.Thr1697Ala). This variant is present in population databases (rs727503233, gnomAD 0.009%). This variant has not been reported in the literature in individuals affected with MYH6-related conditions. ClinVar contains an entry for this variant (Variation ID: 164214). An algorithm developed to predict the effect of missense changes on protein structure and function (PolyPhen-2) suggests that this variant is likely to be tolerated. In summary, the available evidence is currently insufficient to determine the role of this variant in disease. Therefore, it has been classified as a Variant of Uncertain Significance.

Ambry Genetics
Classification: Uncertain significance for Cardiovascular phenotype. Last evaluated: 2022-01-19. Review status: criteria provided, single submitter. Criteria: Ambry Variant Classification Scheme 2023. Collection method: clinical testing. Allele origin: germline.

Laboratory for Molecular Medicine, Mass General Brigham Personalized Medicine
Classification: Uncertain significance. Last evaluated: 2014-01-22. Review status: criteria provided, single submitter. Criteria: LMM Criteria. Collection method: clinical testing. Allele origin: germline. Observed: 1 variant allele.
Comment: The Thr1697Ala variant in MYH6 has not been reported in individuals with cardiom yopathy or in large population studies. Computational analyses (biochemical amin o acid properties, conservation, AlignGVGD, PolyPhen2, and SIFT) do not provide strong support for or against an impact to the protein. Additional information i s needed to fully assess the clinical significance of this variant.

NM_002471.4(MYH6):c.5089A>G (p.Thr1697Ala)

Genes: MYH6 (myosin heavy chain 6; minus strand), LOC126861896 (BRD4-independent group 4 enhancer GRCh37_chr14:23854904-23856103; plus strand). Cytogenetic location: 14q11.2.
Variant type: single nucleotide variant.
Coding change: c.5089A>G on transcript NM_002471.4 (MANE Select); coding-DNA position 5089, A replaced by G.
Protein change: p.Thr1697Ala; replaces threonine 1697 with alanine.
Molecular consequence: missense variant.
Genome position (GRCh38, 1-based): chr14:23,386,002, T>C on the plus strand (A>G on the coding strand, the complement: MYH6 is on the minus strand). VCF-style: chr14-23386002-T-C. GRCh37 (hg19) VCF-style: chr14-23855211-T-C.
Other names: short protein forms T1697A.
Identifiers: ClinVar variation 164214 (VCV000164214.13), dbSNP rs727503233, ClinGen allele CA176938.
Genomic context (GRCh38, chr14:23,386,002, plus strand): 5'-GCTGCACCCGCTCGCTGGTCTCAATCAGCTCCTGCTCCGCCAGCTTCCGGGACCGCTCTG[T>C]CTGCTCCACCACGGCACGCAGCTCCTCCAGCTCAGCCTGCAGCAGGTTGTTGCGCCGCTC-3'
Protein context (NP_002462.2, residues 1687-1707): LEELRAVVEQ[Thr1697Ala]ERSRKLAEQE